The following is an entry in ClinVar:

ClinVar aggregate classification (germline): Conflicting classifications of pathogenicity. Review status: criteria provided, conflicting classifications (1 of 4 stars). 2 submissions from 2 submitters: Uncertain significance (1); Likely benign (1). Last evaluated 2026-03-30.

Conditions:
Hereditary cancer-predisposing syndrome. Also called: Hereditary Cancer Syndrome; Tumor predisposition; Hereditary neoplastic syndrome; Neoplastic Syndromes, Hereditary. Identifiers: Orphanet 140162, MedGen C0027672, MeSH D009386, MONDO:0015356.
Familial cancer of breast. Also called: Hereditary breast cancer; BREAST CANCER, FAMILIAL; hereditary breast carcinoma. Identifiers: Orphanet 227535, MedGen C0346153, MONDO:0016419, OMIM 114480. Disease mechanism: loss of function.

Submissions (2):

Ambry Genetics
Classification: Likely benign for Hereditary cancer-predisposing syndrome. Last evaluated: 2026-03-30. Review status: criteria provided, single submitter. Criteria: Ambry Variant Classification Scheme 2023. Collection method: clinical testing. Allele origin: germline.

Labcorp Genetics (formerly Invitae), Labcorp
Classification: Uncertain significance for Familial cancer of breast. Last evaluated: 2016-12-07. Review status: criteria provided, single submitter. Criteria: Invitae Variant Classification Sherloc (09022015). Collection method: clinical testing. Allele origin: germline.
Comment: This sequence change replaces glutamic acid with glutamine at codon 3 of the PALB2 protein (p.Glu3Gln). The glutamic acid residue is moderately conserved and there is a small physicochemical difference between glutamic acid and glutamine. This variant is not present in population databases (ExAC no frequency) and has not been reported in the literature in individuals with a PALB2-related disease. Algorithms developed to predict the effect of missense changes on protein structure and function do not agree on the potential impact of this missense change (SIFT: "Tolerated"; PolyPhen-2: "Probably Damaging"; Align-GVGD: "Class C0"). In summary, this variant is a novel missense change with uncertain impact on protein function. It has been classified as a Variant of Uncertain Significance.

NM_024675.4(PALB2):c.7G>C (p.Glu3Gln)

Gene: PALB2 (partner and localizer of BRCA2; minus strand). Cytogenetic location: 16p12.2.
Variant type: single nucleotide variant.
Coding change: c.7G>C on transcript NM_024675.4 (MANE Select); coding-DNA position 7, G replaced by C.
Protein change: p.Glu3Gln; replaces glutamic acid 3 with glutamine.
Molecular consequence: missense variant.
Genome position (GRCh38, 1-based): chr16:23,641,151, C>G on the plus strand (G>C on the coding strand, the complement: PALB2 is on the minus strand). VCF-style: chr16-23641151-C-G. GRCh37 (hg19) VCF-style: chr16-23652472-C-G.
Other names: short protein forms E3Q.
Identifiers: ClinVar variation 410170 (VCV000410170.10), dbSNP rs878855123, ClinGen allele CA16615131.